The following is an entry in ClinVar:

ClinVar aggregate classification (germline): Likely pathogenic (1 of 4 stars; one submission).

Conditions:
Wieacker-Wolff syndrome, female-restricted (WRWFFR). Identifiers: MedGen C5393303, MONDO:0026762, OMIM 301041.

Submission:

Groupe Hospitalier Pitie Salpetriere, Uf Genomique Du Developpement, Assistance Publique Hopitaux de Paris Sorbonne Université
Classification: Likely pathogenic for Wieacker-Wolff syndrome, female-restricted. Review status: criteria provided, single submitter. Criteria: ACMG Guidelines, 2015. Collection method: clinical testing. Allele origin: germline. Affected: yes.
Comment: This variant is located in a mutational hot spot and or critical functional domain without benign variation (PM1), absent or extremely rare in population databases (PM2_supp), a novel missense change at an amino acid residue where a different pathogenic missense change has been seen before (PM5) and multiple lines of computational evidence support a deleterious effect on the gene or gene product (PP3)

NM_018684.4(ZC4H2):c.599C>A (p.Ala200Glu)

Gene: ZC4H2 (zinc finger C4H2-type containing; minus strand). Cytogenetic location: Xq11.2.
Variant type: single nucleotide variant.
Coding change: c.599C>A on transcript NM_018684.4 (MANE Select); coding-DNA position 599, C replaced by A.
Protein change: p.Ala200Glu; replaces alanine 200 with glutamic acid.
Molecular consequence: missense variant. On other transcripts: non-coding transcript variant (1).
Genome position (GRCh38, 1-based): chrX:64,917,859, G>T on the plus strand (C>A on the coding strand, the complement: ZC4H2 is on the minus strand). VCF-style: chrX-64917859-G-T. GRCh37 (hg19) VCF-style: chrX-64137739-G-T.
Other names: c.530C>A, p.Ala177Glu (NM_001178032.3, NM_001243804.2); c.436C>A, p.His146Asn (NM_001178033.3); short protein forms A177E, A200E, H146N.
Identifiers: ClinVar variation 4813338 (VCV004813338.1).